The following is an entry in ClinVar:

NM_018896.5(CACNA1G):c.3071C>T (p.Ser1024Phe)

Gene: CACNA1G (calcium voltage-gated channel subunit alpha1 G; plus strand). Cytogenetic location: 17q21.33.
Variant type: single nucleotide variant.
Coding change: c.3071C>T on transcript NM_018896.5 (MANE Select); coding-DNA position 3071, C replaced by T.
Protein change: p.Ser1024Phe; replaces serine 1024 with phenylalanine.
Molecular consequence: missense variant. On other transcripts: non-coding transcript variant (5).
Genome position (GRCh38, 1-based): chr17:50,596,736, C>T. VCF-style: chr17-50596736-C-T. GRCh37 (hg19) VCF-style: chr17-48674097-C-T.
Other names: c.3071C>T, p.Ser1024Phe (NM_001256324.2, NM_001256325.2, NM_001256326.2 and 16 more transcripts); c.3002C>T, p.Ser1001Phe (NM_001256332.2, NM_198383.3, NM_198387.3 and 5 more transcripts); short protein forms S1001F, S1024F.
Identifiers: ClinVar variation 4755853 (VCV004755853.1).

ClinVar aggregate classification (germline): Uncertain significance (1 of 4 stars; one submission).

Submission:

GeneDx
Classification: Uncertain significance. Last evaluated: 2025-08-05. Review status: criteria provided, single submitter. Criteria: GeneDx Variant Classification Process June 2021. Collection method: clinical testing. Allele origin: germline. Affected: yes.
Comment: Not observed at significant frequency in large population cohorts (gnomAD); In silico analysis supports that this missense variant has a deleterious effect on protein structure/function; Has not been previously published as pathogenic or benign to our knowledge